The following is an entry in ClinVar:

NM_015656.2(KIF26A):c.4284A>G (p.Ala1428=)

Gene: KIF26A (kinesin family member 26A; plus strand). Cytogenetic location: 14q32.33.
Variant type: single nucleotide variant.
Coding change: c.4284A>G on transcript NM_015656.2 (MANE Select); coding-DNA position 4284, A replaced by G.
Protein change: p.Ala1428=; no amino-acid change (alanine 1428 retained).
Molecular consequence: synonymous variant.
Genome position (GRCh38, 1-based): chr14:104,177,072, A>G. VCF-style: chr14-104177072-A-G. GRCh37 (hg19) VCF-style: chr14-104643409-A-G.
Identifiers: ClinVar variation 4977180 (VCV004977180.1).

ClinVar aggregate classification (germline): Benign (1 of 4 stars; one submission).

Conditions:
KIF26A-related condition.

gnomAD v4.1: 1,149,736 of 1,592,130 alleles (72%); highest among the groups gnomAD compares: Middle Eastern, 83%; 416,684 homozygotes.

Submission:

PreventionGenetics, part of Exact Sciences
Classification: Benign for KIF26A-related condition. Last evaluated: 2024-10-21. Review status: criteria provided, single submitter. Criteria: ACMG Guidelines, 2015. Collection method: clinical testing. Allele origin: germline.
Comment: This variant is classified as benign based on ACMG/AMP sequence variant interpretation guidelines (Richards et al. 2015 PMID: 25741868, with internal and published modifications).